The following is an entry in ClinVar:

ClinVar aggregate classification (germline): Uncertain significance (1 of 4 stars; one submission).

Conditions:
Inborn genetic diseases. Identifiers: MedGen C0950123, MeSH D030342.

Submission:

Ambry Genetics
Classification: Uncertain significance for Inborn genetic diseases. Last evaluated: 2025-07-09. Review status: criteria provided, single submitter. Criteria: Ambry Variant Classification Scheme 2023. Collection method: clinical testing. Allele origin: germline.
Comment: The p.P448L variant (also known as c.1343C>T), located in coding exon 8 of the FANCM gene, results from a C to T substitution at nucleotide position 1343. The proline at codon 448 is replaced by leucine, an amino acid with similar properties. This amino acid position is conserved. In addition, the in silico prediction for this alteration is inconclusive. Based on the available evidence, the clinical significance of this variant remains unclear.

NM_020937.4(FANCM):c.1343C>T (p.Pro448Leu)

Gene: FANCM (FA complementation group M; plus strand). Cytogenetic location: 14q21.2.
Variant type: single nucleotide variant.
Coding change: c.1343C>T on transcript NM_020937.4 (MANE Select); coding-DNA position 1343, C replaced by T.
Protein change: p.Pro448Leu; replaces proline 448 with leucine.
Molecular consequence: missense variant.
Genome position (GRCh38, 1-based): chr14:45,155,406, C>T. VCF-style: chr14-45155406-C-T. GRCh37 (hg19) VCF-style: chr14-45624609-C-T.
Other names: c.1265C>T, p.Pro422Leu (NM_001308133.2); c.1343C>T, p.Pro448Leu (NM_001308134.2); short protein forms P422L, P448L.
Identifiers: ClinVar variation 4254582 (VCV004254582.1).